The following is an entry in ClinVar:

ClinVar aggregate classification (germline): Uncertain significance. Review status: criteria provided, multiple submitters, no conflicts (2 of 4 stars). 2 submissions from 2 submitters: Uncertain significance (2). Last evaluated 2025-06-18.

Conditions:
Hereditary cancer-predisposing syndrome. Also called: Neoplastic Syndromes, Hereditary; Tumor predisposition; Hereditary Cancer Syndrome; Hereditary neoplastic syndrome. Identifiers: Orphanet 140162, MedGen C0027672, MeSH D009386, MONDO:0015356.
Familial melanoma. Also called: Hereditary melanoma; Hereditary cutaneous melanoma. Identifiers: Orphanet 618, MedGen C1512419, MONDO:0018961.

Allele frequency attached by ClinVar (database versions not stated): gnomAD exomes below 0.00001; gnomAD 0.00001; TOPMed 0.00001.
gnomAD v4.1: 4 of 1,611,804 alleles (0.00025%); highest among the groups gnomAD compares: Non-Finnish European, 0.00025%; no homozygotes.

Submissions (2):

Labcorp Genetics (formerly Invitae), Labcorp
Classification: Uncertain significance for Familial melanoma. Last evaluated: 2025-06-18. Review status: criteria provided, single submitter. Criteria: Invitae Variant Classification Sherloc (09022015). Collection method: clinical testing. Allele origin: germline.
Comment: This sequence change replaces proline, which is neutral and non-polar, with leucine, which is neutral and non-polar, at codon 151 of the CDKN2A (p16INK4a) protein (p.Pro151Leu). This variant is present in population databases (no rsID available, gnomAD 0.01%). This variant has not been reported in the literature in individuals affected with CDKN2A (p16INK4a)-related conditions. ClinVar contains an entry for this variant (Variation ID: 406724). An algorithm developed to predict the effect of missense changes on protein structure and function outputs the following: PolyPhen-2: "Benign". The leucine amino acid residue is found in multiple mammalian species, which suggests that this missense change does not adversely affect protein function. In summary, the available evidence is currently insufficient to determine the role of this variant in disease. Therefore, it has been classified as a Variant of Uncertain Significance.

Ambry Genetics
Classification: Uncertain significance for Hereditary cancer-predisposing syndrome. Last evaluated: 2024-12-17. Review status: criteria provided, single submitter. Criteria: Ambry Variant Classification Scheme 2023. Collection method: clinical testing. Allele origin: germline.
Comment: The p.P151L variant (also known as c.452C>T), located in coding exon 2 of the CDKN2A gene, results from a C to T substitution at nucleotide position 452. The proline at codon 151 is replaced by leucine, an amino acid with similar properties. Of note, this alteration is also known as c.*96C>T in the p14(ARF) isoform. This amino acid position is poorly conserved in available vertebrate species. In addition, this alteration is predicted to be tolerated by in silico analysis. Based on the available evidence, the clinical significance of this variant remains unclear.

NM_000077.5(CDKN2A):c.452C>T (p.Pro151Leu)

Gene: CDKN2A (cyclin dependent kinase inhibitor 2A; minus strand). Cytogenetic location: 9p21.3.
Variant type: single nucleotide variant.
Coding change: c.452C>T on transcript NM_000077.5; coding-DNA position 452, C replaced by T.
Protein change: p.Pro151Leu; replaces proline 151 with leucine.
Molecular consequence: missense variant (on NM_000077.6). On other transcripts: 3 prime UTR variant (2).
Genome position (GRCh38, 1-based): chr9:21,970,907, G>A on the plus strand (C>T on the coding strand, the complement: CDKN2A is on the minus strand). VCF-style: chr9-21970907-G-A. GRCh37 (hg19) VCF-style: chr9-21970906-G-A.
Other names: c.452C>T, p.Pro151Leu (NM_000077.6, NM_001195132.2); c.299C>T, p.Pro100Leu (NM_001363763.2); c.*96C>T (NM_058195.4); c.*375C>T (NM_058197.5); short protein forms P151L, P100L.
Identifiers: ClinVar variation 406724 (VCV000406724.14), dbSNP rs1060501275, ClinGen allele CA16612853.